The following is an entry in ClinVar:

NM_001369268.1(ACAN):c.5674C>T (p.Pro1892Ser)

Gene: ACAN (aggrecan; plus strand). Cytogenetic location: 15q26.1.
Variant type: single nucleotide variant.
Coding change: c.5674C>T on transcript NM_001369268.1 (MANE Select); coding-DNA position 5674, C replaced by T.
Protein change: p.Pro1892Ser; replaces proline 1892 with serine.
Molecular consequence: missense variant.
Genome position (GRCh38, 1-based): chr15:88,858,259, C>T. VCF-style: chr15-88858259-C-T. GRCh37 (hg19) VCF-style: chr15-89401490-C-T.
Other names: p.Pro1892Ser; c.5674C>T, p.Pro1892Ser (NM_001135.4, NM_001411096.1, NM_001411097.1 and 1 more transcripts); short protein forms P1892S.
Identifiers: ClinVar variation 2412821 (VCV002412821.7), dbSNP rs767984963, ClinGen allele CA7720262.

ClinVar aggregate classification (germline): Uncertain significance (1 of 4 stars; one submission).

Conditions:
Short stature and advanced bone age, with or without early-onset osteoarthritis and/or osteochondritis dissecans (SSOAOD). Identifiers: Orphanet 251262, MedGen C3665488, MONDO:0100462, OMIM 165800.

Allele frequency attached by ClinVar (database versions not stated): ExAC 0.00001.
gnomAD v4.1: 3 of 1,613,938 alleles (0.00019%); highest among the groups gnomAD compares: South Asian, 0.0033%; no homozygotes.

Submission:

Foundation for Research in Genetics and Endocrinology, FRIGE's Institute of Human Genetics
Classification: Uncertain significance for Short stature and advanced bone age, with or without early-onset osteoarthritis and/or osteochondritis dissecans. Last evaluated: 2023-01-30. Review status: criteria provided, single submitter. Criteria: ACMG Guidelines, 2015. Collection method: clinical testing. Allele origin: germline. Inheritance: Autosomal dominant inheritance. Affected: yes. Observed: 1 heterozygote.
Comment: A heterozygous missense variation in exon 12 of the ACAN gene that results in the amino acid substitution of Serine for Proline at codon 1892 (p.Pro1892Ser) was detected. This variant has not been reported in the 1000 genomes and gnomAD databases. The in silico predictions of the variant is probably damaging by PolyPhen-2 (HumDiv). The reference codon is conserved across species. In summary, the variant meets our criteria to be classified as a variant of uncertain significance.